The following is an entry in ClinVar:

NM_005188.4(CBL):c.220A>G (p.Lys74Glu)

Gene: CBL (Cbl proto-oncogene; plus strand). Cytogenetic location: 11q23.3.
Variant type: single nucleotide variant.
Coding change: c.220A>G on transcript NM_005188.4 (MANE Select); coding-DNA position 220, A replaced by G.
Protein change: p.Lys74Glu; replaces lysine 74 with glutamic acid.
Molecular consequence: missense variant.
Genome position (GRCh38, 1-based): chr11:119,232,472, A>G. VCF-style: chr11-119232472-A-G. GRCh37 (hg19) VCF-style: chr11-119103182-A-G.
Other names: short protein forms K74E.
Identifiers: ClinVar variation 4613831 (VCV004613831.1).

ClinVar aggregate classification (germline): Uncertain significance (1 of 4 stars; one submission).

Conditions:
Cardiovascular phenotype. Identifiers: MedGen CN230736.

Submission:

Ambry Genetics
Classification: Uncertain significance for Cardiovascular phenotype. Last evaluated: 2025-10-09. Review status: criteria provided, single submitter. Criteria: Ambry Variant Classification Scheme 2023. Collection method: clinical testing. Allele origin: germline.
Comment: The p.K74E variant (also known as c.220A>G), located in coding exon 2 of the CBL gene, results from an A to G substitution at nucleotide position 220. The lysine at codon 74 is replaced by glutamic acid, an amino acid with similar properties. This amino acid position is conserved. In addition, this alteration is predicted to be deleterious by in silico analysis. Based on the available evidence, the clinical significance of this variant remains unclear.